The following is an entry in ClinVar:

NM_000284.4(PDHA1):c.728A>C (p.Tyr243Ser)

Gene: PDHA1 (pyruvate dehydrogenase E1 subunit alpha 1; plus strand). Cytogenetic location: Xp22.12.
Variant type: single nucleotide variant.
Coding change: c.728A>C on transcript NM_000284.4 (MANE Select); coding-DNA position 728, A replaced by C.
Protein change: p.Tyr243Ser; replaces tyrosine 243 with serine.
Molecular consequence: missense variant.
Genome position (GRCh38, 1-based): chrX:19,355,473, A>C. VCF-style: chrX-19355473-A-C. GRCh37 (hg19) VCF-style: chrX-19373591-A-C.
Other names: c.842A>C, p.Tyr281Ser (NM_001173454.2); c.749A>C, p.Tyr250Ser (NM_001173455.2); c.635A>C, p.Tyr212Ser (NM_001173456.2); short protein forms Y212S, Y243S, Y250S, Y281S.
Identifiers: ClinVar variation 4070363 (VCV004070363.1).
Genomic context (GRCh38, chrX:19,355,473, plus strand): 5'-AGAATAATCGCTATGGAATGGGAACGTCTGTTGAGAGAGCGGCAGCCAGCACTGATTACT[A>C]CAAGAGAGGCGATTTCATTCCTGGGCTGAGAGTAAGGACACCTGTGGTGGGGCCGGGGCC-3'
Protein context (NP_000275.1, residues 233-253): VERAAASTDY[Tyr243Ser]KRGDFIPGLR

ClinVar aggregate classification (germline): Pathogenic (0 of 4 stars; one submission).

Conditions:
Pyruvate dehydrogenase E1-alpha deficiency (PDHAD). Also called: ATAXIA, INTERMITTENT, WITH PYRUVATE DEHYDROGENASE DEFICIENCY; ATAXIA WITH LACTIC ACIDOSIS I; ATAXIA, INTERMITTENT, WITH ABNORMAL PYRUVATE METABOLISM; Ataxia, intermittent, with pyruvate dehydrogenase, or decarboxylase, deficiency. Identifiers: Orphanet 79243, MedGen C1839413, MONDO:0010717, OMIM 312170.

Submission:

PDHA1 Study Group, University Children’s Hospital, Paracelsus Medical University
Classification: Pathogenic for Pyruvate dehydrogenase E1-alpha deficiency. Last evaluated: 2024-10-15. Review status: no assertion criteria provided. Collection method: research. Allele origin: de novo. Affected: yes. Observed: 1 variant allele.
Comment: The NM_000284.3:c.728A>C (p.Tyr243Ser) substitution is a missense variant in PDHA1 gene. Among them, 1 case had confirmed de novo occurrence. The variant has been reported in 1 published case (PMIDs: 12227466, 21914562). Last literature search: July 12, 2024. This variant is absent or extremely rare in population-based cohorts in the Genome Aggregation Database (gnomAD). Individuals harboring this variant presented with clinical features compatible with PDHA1-related PDHc deficiency. In summary, this variant meets criteria to be classified as pathogenic (P) for PDHA1-related PDHc deficiency based on the ACMG/AMP criteria applied: PS3, PM1, PM2, PM5, PM7, PP3 (last assessment October 15, 2024).

Literature cited by the submitters: PubMed 12227466; PubMed 21914562; DOI 10.1093/brain/awaf430.